The following is an entry in ClinVar:

NM_032043.3(BRIP1):c.1880T>G (p.Leu627Arg)

Gene: BRIP1 (BRCA1 interacting DNA helicase 1; minus strand). Cytogenetic location: 17q23.2.
Variant type: single nucleotide variant.
Coding change: c.1880T>G on transcript NM_032043.3 (MANE Select); coding-DNA position 1880, T replaced by G.
Protein change: p.Leu627Arg; replaces leucine 627 with arginine.
Molecular consequence: missense variant.
Genome position (GRCh38, 1-based): chr17:61,780,316, A>C on the plus strand (T>G on the coding strand, the complement: BRIP1 is on the minus strand). VCF-style: chr17-61780316-A-C. GRCh37 (hg19) VCF-style: chr17-59857677-A-C.
Other names: c.1880T>G (NM_032043.2); short protein forms L627R.
Identifiers: ClinVar variation 1466854 (VCV001466854.10), dbSNP rs1567812479, ClinGen allele CA400480039.

ClinVar aggregate classification (germline): Uncertain significance. Review status: criteria provided, multiple submitters, no conflicts (2 of 4 stars). 2 submissions from 2 submitters: Uncertain significance (2). Last evaluated 2026-07-07.

Conditions:
Familial cancer of breast. Also called: Hereditary breast cancer; BREAST CANCER, FAMILIAL; hereditary breast carcinoma. Identifiers: Orphanet 227535, MedGen C0346153, MONDO:0016419, OMIM 114480. Disease mechanism: loss of function.
Fanconi anemia complementation group J. Also called: BRIP1-Related Fanconi Anemia. Identifiers: Orphanet 84, MedGen C1836860, MONDO:0012187, OMIM 609054.
Hereditary cancer-predisposing syndrome. Also called: Hereditary Cancer Syndrome; Tumor predisposition; Neoplastic Syndromes, Hereditary; Hereditary neoplastic syndrome. Identifiers: Orphanet 140162, MedGen C0027672, MeSH D009386, MONDO:0015356.

gnomAD v4.1: 1 of 1,612,134 alleles (0.000062%); highest among the groups gnomAD compares: Non-Finnish European, 0.000085%; no homozygotes.

Submissions (2):

Ambry Genetics
Classification: Uncertain significance for Hereditary cancer-predisposing syndrome. Last evaluated: 2026-07-07. Review status: criteria provided, single submitter. Criteria: Ambry Variant Classification Scheme 2023. Collection method: clinical testing. Allele origin: germline.
Comment: The p.L627R variant (also known as c.1880T>G), located in coding exon 12 of the BRIP1 gene, results from a T to G substitution at nucleotide position 1880. The leucine at codon 627 is replaced by arginine, an amino acid with dissimilar properties. This amino acid position is conserved. In addition, this alteration is predicted to be deleterious by in silico analysis. Based on the available evidence, the clinical significance of this variant remains unclear.

Labcorp Genetics (formerly Invitae), Labcorp
Classification: Uncertain significance for Familial cancer of breast; Fanconi anemia complementation group J. Last evaluated: 2021-01-05. Review status: criteria provided, single submitter. Criteria: Invitae Variant Classification Sherloc (09022015). Collection method: clinical testing. Allele origin: germline.
Comment: In summary, the available evidence is currently insufficient to determine the role of this variant in disease. Therefore, it has been classified as a Variant of Uncertain Significance. Algorithms developed to predict the effect of missense changes on protein structure and function (SIFT, PolyPhen-2, Align-GVGD) all suggest that this variant is likely to be disruptive, but these predictions have not been confirmed by published functional studies and their clinical significance is uncertain. This variant has not been reported in the literature in individuals with BRIP1-related conditions. This variant is not present in population databases (ExAC no frequency). This sequence change replaces leucine with arginine at codon 627 of the BRIP1 protein (p.Leu627Arg). The leucine residue is highly conserved and there is a moderate physicochemical difference between leucine and arginine.